The following is an entry in ClinVar:

ClinVar aggregate classification (germline): Likely benign. Review status: criteria provided, multiple submitters, no conflicts (2 of 4 stars). 3 submissions from 3 submitters: Likely benign (3). Last evaluated 2025-11-23.

Conditions:
Charcot-Marie-Tooth disease type 2. Also called: Charcot-Marie-Tooth type 2. Identifiers: Orphanet 64746, MedGen C0270914, MONDO:0018993.

Allele frequency attached by ClinVar (database versions not stated): gnomAD exomes 0.00002 and 0.00004; ExAC 0.00004; gnomAD 0.00014 and 0.00016; ESP Exome Variant Server 0.00015; TOPMed 0.00022.

Submissions (3):

Labcorp Genetics (formerly Invitae), Labcorp
Classification: Likely benign for Charcot-Marie-Tooth disease type 2. Last evaluated: 2025-11-23. Review status: criteria provided, single submitter. Criteria: Invitae Variant Classification Sherloc (09022015). Collection method: clinical testing. Allele origin: germline.

Blueprint Genetics
Classification: Likely benign. Last evaluated: 2023-08-07. Review status: criteria provided, single submitter. Criteria: ACMG Guidelines, 2015. Collection method: clinical testing. Allele origin: germline.

GeneDx
Classification: Likely benign. Last evaluated: 2016-12-02. Review status: criteria provided, single submitter. Criteria: GeneDx Variant Classification (06012015). Collection method: clinical testing. Allele origin: germline. Affected: yes.
Comment: This variant is considered likely benign or benign based on one or more of the following criteria: it is a conservative change, it occurs at a poorly conserved position in the protein, it is predicted to be benign by multiple in silico algorithms, and/or has population frequency not consistent with disease.

NM_014874.4(MFN2):c.2069+16G>A

Gene: MFN2 (mitofusin 2; plus strand). Cytogenetic location: 1p36.22.
Variant type: single nucleotide variant.
Coding change: c.2069+16G>A on transcript NM_014874.4 (MANE Select); 16 bases into the intron after coding-DNA position 2069, G replaced by A.
Molecular consequence: intron variant.
Genome position (GRCh38, 1-based): chr1:12,007,265, G>A. VCF-style: chr1-12007265-G-A. GRCh37 (hg19) VCF-style: chr1-12067322-G-A.
Other names: c.2069+16G>A (NM_001127660.2).
Identifiers: ClinVar variation 391446 (VCV000391446.9), dbSNP rs376673392, ClinGen allele CA599312.
Genomic context (GRCh38, chr1:12,007,265, plus strand): 5'-TGTCATCAGCTACACTGGCTCCAACTGCAGCCACCAAGTCCAGCAGTGAGTGGCCCTGTC[G>A]GACCCCAGCAGGGGACTTCCTTTAGGCAGGGTCAGCCCCATCTCCCTTCCCCATCTCTCT-3'